The following is an entry in ClinVar:

ClinVar aggregate classification (germline): Likely benign (1 of 4 stars; one submission).

Allele frequency attached by ClinVar (database versions not stated): 1000 Genomes Project 30x 0.00593; 1000 Genomes Project 0.00599.
gnomAD v4.1: 938 of 151,974 alleles (0.62%); highest among the groups gnomAD compares: African/African-American, 2.1%; 5 homozygotes.

Submission:

GeneDx
Classification: Likely benign. Last evaluated: 2018-06-14. Review status: criteria provided, single submitter. Criteria: GeneDx Variant Classification (06012015). Collection method: clinical testing. Allele origin: germline. Affected: yes.
Comment: This variant is considered likely benign or benign based on one or more of the following criteria: it is a conservative change, it occurs at a poorly conserved position in the protein, it is predicted to be benign by multiple in silico algorithms, and/or has population frequency not consistent with disease.

NM_000540.3(RYR1):c.2786+198G>A

Gene: RYR1 (ryanodine receptor 1; plus strand). Cytogenetic location: 19q13.2.
Variant type: single nucleotide variant.
Coding change: c.2786+198G>A on transcript NM_000540.3 (MANE Select); 198 bases into the intron after coding-DNA position 2786, G replaced by A.
Molecular consequence: intron variant.
Genome position (GRCh38, 1-based): chr19:38,464,048, G>A. VCF-style: chr19-38464048-G-A. GRCh37 (hg19) VCF-style: chr19-38954688-G-A.
Other names: c.2786+198G>A (NM_001042723.2).
Identifiers: ClinVar variation 679558 (VCV000679558.1), dbSNP rs141219411, ClinGen allele CA308074720.